The following is an entry in ClinVar:

NM_032119.4(ADGRV1):c.6961G>A (p.Val2321Met)

Gene: ADGRV1 (adhesion G protein-coupled receptor V1; plus strand). Cytogenetic location: 5q14.3.
Variant type: single nucleotide variant.
Coding change: c.6961G>A on transcript NM_032119.4 (MANE Select); coding-DNA position 6961, G replaced by A.
Protein change: p.Val2321Met; replaces valine 2321 with methionine.
Molecular consequence: missense variant. On other transcripts: non-coding transcript variant (1).
Genome position (GRCh38, 1-based): chr5:90,692,614, G>A. VCF-style: chr5-90692614-G-A. GRCh37 (hg19) VCF-style: chr5-89988431-G-A.
Other names: short protein forms V2321M.
Identifiers: ClinVar variation 4017985 (VCV004017985.3).

ClinVar aggregate classification (germline): Uncertain significance. Review status: criteria provided, multiple submitters, no conflicts (2 of 4 stars). 3 submissions from 3 submitters: Uncertain significance (3). Last evaluated 2026-08-27.

Conditions:
Inborn genetic diseases. Identifiers: MedGen C0950123, MeSH D030342.
ADGRV1-related disorder. Also called: ADGRV1-related disorders; ADGRV1-related condition.

gnomAD v4.1: 4 of 1,606,820 alleles (0.00025%); highest among the groups gnomAD compares: Non-Finnish European, 0.00034%; no homozygotes.

Submissions (3):

PreventionGenetics, part of Exact Sciences
Classification: Uncertain significance for ADGRV1-related condition. Last evaluated: 2026-08-27. Review status: criteria provided, single submitter. Criteria: ACMG Guidelines, 2015. Collection method: clinical testing. Allele origin: germline.
Comment: The ADGRV1 c.6961G>A variant is predicted to result in the amino acid substitution p.Val2321Met. To our knowledge, this variant has not been reported in the literature. This variant is reported in 0.0018% of alleles in individuals of European (Non-Finnish) descent in gnomAD. At this time, the clinical significance of this variant is uncertain due to the absence of conclusive functional and genetic evidence.

Ambry Genetics
Classification: Uncertain significance for Inborn genetic diseases. Last evaluated: 2025-03-25. Review status: criteria provided, single submitter. Criteria: Ambry Variant Classification Scheme 2023. Collection method: clinical testing. Allele origin: germline.

GeneDx
Classification: Uncertain significance. Last evaluated: 2025-02-04. Review status: criteria provided, single submitter. Criteria: GeneDx Variant Classification Process June 2021. Collection method: clinical testing. Allele origin: germline. Affected: yes.
Comment: Not observed at significant frequency in large population cohorts (gnomAD); In silico analysis indicates that this missense variant does not alter protein structure/function; Has not been previously published as pathogenic or benign to our knowledge